The following is an entry in ClinVar:

ClinVar aggregate classification (germline): Uncertain significance (1 of 4 stars; one submission).

Submission:

Labcorp Genetics (formerly Invitae), Labcorp
Classification: Uncertain significance. Last evaluated: 2022-07-30. Review status: criteria provided, single submitter. Criteria: Invitae Variant Classification Sherloc (09022015). Collection method: clinical testing. Allele origin: germline.
Comment: In summary, the available evidence is currently insufficient to determine the role of this variant in disease. Therefore, it has been classified as a Variant of Uncertain Significance. This sequence change falls in intron 26 of the SI gene. It does not directly change the encoded amino acid sequence of the SI protein. Algorithms developed to predict the effect of sequence changes on RNA splicing suggest that this variant may create or strengthen a splice site. This variant has not been reported in the literature in individuals affected with SI-related conditions. This variant is not present in population databases (gnomAD no frequency).

NM_001041.4(SI):c.3100-4A>G

Gene: SI (sucrase-isomaltase; minus strand). Cytogenetic location: 3q26.1.
Variant type: single nucleotide variant.
Coding change: c.3100-4A>G on transcript NM_001041.4 (MANE Select); 4 bases into the intron before coding-DNA position 3100, A replaced by G.
Molecular consequence: intron variant.
Genome position (GRCh38, 1-based): chr3:165,021,387, T>C on the plus strand (A>G on the coding strand, the complement: SI is on the minus strand). VCF-style: chr3-165021387-T-C. GRCh37 (hg19) VCF-style: chr3-164739175-T-C.
Identifiers: ClinVar variation 2020398 (VCV002020398.4), dbSNP rs2473288616, ClinGen allele CA2580069015.